The following is an entry in ClinVar:

NM_001267550.2(TTN):c.85809dup (p.Pro28604fs)

Genes: TTN-AS1 (TTN antisense RNA 1; plus strand), TTN (titin; minus strand). Cytogenetic location: 2q31.2.
Variant type: Duplication.
Coding change: c.85809dup on transcript NM_001267550.2 (MANE Select); coding-DNA position 85809, one base duplicated (A; older notation c.85809dupA).
Protein change: p.Pro28604fs; shifts the reading frame from proline 28604.
Molecular consequence: frameshift variant.
Genome position (GRCh38, 1-based): chr2:178,560,323, T duplicated on the plus strand (A on the coding strand, the reverse complement: TTN is on the minus strand); the first of 6 consecutive T bases (chr2:178,560,323-178,560,328); duplicating any one gives the same sequence. VCF-style (leftmost placement, unchanged base first): chr2-178560322-G-GT. GRCh37 (hg19) VCF-style: chr2-179425049-G-GT.
Other names: c.78105dupA (NM_133378.4); c.80886dup, p.Pro26963fs (NM_001256850.1); c.58614dup, p.Pro19539fs (NM_003319.4); c.78105dup, p.Pro26036fs (NM_133378.4); c.58989dup, p.Pro19664fs (NM_133432.3); c.59190dup, p.Pro19731fs (NM_133437.4); short protein forms P19539fs, P19664fs, P19731fs, P26036fs, P26963fs, P28604fs.
Identifiers: ClinVar variation 3750681 (VCV003750681.3).

ClinVar aggregate classification (germline): Likely pathogenic. Review status: criteria provided, multiple submitters, no conflicts (2 of 4 stars). 2 submissions from 2 submitters: Likely pathogenic (2). Last evaluated 2025-12-15.

Conditions:
Autosomal recessive titinopathy. Identifiers: MedGen CN315649, MONDO:0100493.
Autosomal recessive limb-girdle muscular dystrophy type 2J (LGMDR10). Also called: Limb-girdle muscular dystrophy, type 2J; MUSCULAR DYSTROPHY, LIMB-GIRDLE, AUTOSOMAL RECESSIVE 10. Identifiers: Orphanet 140922, MedGen C1837342, MONDO:0012127, OMIM 608807.
Dilated cardiomyopathy 1G (CMD1G). Identifiers: Orphanet 154, MedGen C1858763, MONDO:0011400, OMIM 604145.

Submissions (2):

Women's Health and Genetics/Laboratory Corporation of America, LabCorp
Classification: Likely pathogenic for Autosomal recessive titinopathy. Last evaluated: 2025-12-15. Review status: criteria provided, single submitter. Criteria: LabCorp Variant Classification Summary - May 2015. Collection method: clinical testing. Allele origin: germline.
Comment: Variant summary: TTN c.78105dupA (p.Pro26036ThrfsX4), also annotated as c.85809dupA (p.Pro28604ThrfsX4) in NM_001267550, results in a premature termination codon, predicted to cause a truncation of the encoded protein or absence of the protein due to nonsense mediated decay, which are commonly known mechanisms for disease. Loss of function variants in all TTN bands are strongly associated with a spectrum of autosomal recessive titinopathies when exon expression (proportion spliced in, PSI, 1=complete expression) in skeletal muscle is >0.1 (PMID: 36977548, 39198997, 29598826, 32778822, 29691892, 33449170, 36977548, internal data). In contrast, loss of function variants in all TTN bands are only strongly associated with autosomal dominant TTN-related cardiomyopathies if located in exons constitutively expressed (PSI >0.9) in cardiac muscle, excluding extreme C-terminal exons 359-363 (PMID: 25589632, 31216868, 32964742, 34662387, 27869827, Shetty et al., Nat Cardiovasc Res 2024,, internal data). This variant has a maximum skeletal muscle PSI of 0.968 and a maximum cardiac muscle PSI of 1.000. The variant was absent in 248736 control chromosomes. To our knowledge, no occurrence of c.78105dupA in individuals affected with TTN-related conditions and no experimental evidence demonstrating its impact on protein function have been reported. ClinVar contains an entry for this variant (Variation ID: 3750681). Based on the evidence outlined above, the variant was classified as likely pathogenic for both autosomal dominant and autosomal recessive TTN-related conditions.

Labcorp Genetics (formerly Invitae), Labcorp
Classification: Likely pathogenic for Dilated cardiomyopathy 1G; Autosomal recessive limb-girdle muscular dystrophy type 2J. Last evaluated: 2024-11-03. Review status: criteria provided, single submitter. Criteria: Invitae Variant Classification Sherloc (09022015). Collection method: clinical testing. Allele origin: germline.
Comment: This sequence change creates a premature translational stop signal (p.Pro28604Thrfs*4) in the TTN gene. While this is not anticipated to result in nonsense mediated decay, it is expected to create a truncated TTN protein. This variant is not present in population databases (gnomAD no frequency). This variant has not been reported in the literature in individuals affected with TTN-related conditions. This variant is located in the A band of TTN (PMID: 25589632). Truncating variants in this region are significantly overrepresented in patients affected with dilated cardiomyopathy (PMID: 25589632). Truncating variants in this region have also been reported in individuals affected with autosomal recessive centronuclear myopathy (PMID: 23975875). In summary, the currently available evidence indicates that the variant is pathogenic, but additional data are needed to prove that conclusively. Therefore, this variant has been classified as Likely Pathogenic.

Literature cited by the submitters: PubMed 25589632 (cited by Labcorp Genetics (formerly Invitae), Labcorp); PubMed 23975875 (cited by Labcorp Genetics (formerly Invitae), Labcorp).